The following is an entry in ClinVar:

ClinVar aggregate classification (germline): Uncertain significance (1 of 4 stars; one submission).

Allele frequency attached by ClinVar (database versions not stated): gnomAD exomes 0.00001; TOPMed 0.00001.
gnomAD v4.1: 15 of 1,613,964 alleles (0.00093%); highest among the groups gnomAD compares: East Asian, 0.0022%; no homozygotes.

Submission:

Ambry Genetics
Classification: Uncertain significance. Last evaluated: 2024-04-11. Review status: criteria provided, single submitter. Criteria: Ambry Variant Classification Scheme 2023. Collection method: clinical testing. Allele origin: germline.
Comment: The p.A2108T variant (also known as c.6322G>A), located in coding exon 20 of the POLQ gene, results from a G to A substitution at nucleotide position 6322. The alanine at codon 2108 is replaced by threonine, an amino acid with similar properties. This amino acid position is conserved. In addition, this alteration is predicted to be tolerated by in silico analysis. Since supporting evidence is limited at this time, the clinical significance of this alteration remains unclear.

NM_199420.4(POLQ):c.6322G>A (p.Ala2108Thr)

Gene: POLQ (DNA polymerase theta; minus strand). Cytogenetic location: 3q13.33.
Variant type: single nucleotide variant.
Coding change: c.6322G>A on transcript NM_199420.4 (MANE Select); coding-DNA position 6322, G replaced by A.
Protein change: p.Ala2108Thr; replaces alanine 2108 with threonine.
Molecular consequence: missense variant.
Genome position (GRCh38, 1-based): chr3:121,476,623, C>T on the plus strand (G>A on the coding strand, the complement: POLQ is on the minus strand). VCF-style: chr3-121476623-C-T. GRCh37 (hg19) VCF-style: chr3-121195470-C-T.
Other names: short protein forms A2108T.
Identifiers: ClinVar variation 1752859 (VCV001752859.3), dbSNP rs1270254069, ClinGen allele CA354086948.